The following is an entry in ClinVar:

NM_000051.4(ATM):c.8542A>G (p.Lys2848Glu)

Genes: ATM (ATM serine/threonine kinase; plus strand), C11orf65 (chromosome 11 open reading frame 65; minus strand). Cytogenetic location: 11q22.3.
Variant type: single nucleotide variant.
Coding change: c.8542A>G on transcript NM_000051.4 (MANE Select); coding-DNA position 8542, A replaced by G.
Protein change: p.Lys2848Glu; replaces lysine 2848 with glutamic acid.
Molecular consequence: missense variant. On other transcripts: intron variant (2).
Genome position (GRCh38, 1-based): chr11:108,345,866, A>G. VCF-style: chr11-108345866-A-G. GRCh37 (hg19) VCF-style: chr11-108216593-A-G.
Other names: c.641-36795T>C (NM_001330368.2); c.695-10574T>C (NM_001351110.2); c.8542A>G, p.Lys2848Glu (NM_001351834.2); short protein forms K2848E.
Identifiers: ClinVar variation 582419 (VCV000582419.9), dbSNP rs1565563932, ClinGen allele CA382518417.

ClinVar aggregate classification (germline): Uncertain significance (1 of 4 stars; one submission).

Conditions:
Ataxia-telangiectasia syndrome (AT). Also called: Cerebello-oculocutaneous telangiectasia; Immunodeficiency with ataxia telangiectasia; Ataxia-telangiectasia, complementation group E; Ataxia-telangiectasia, complementation group D; AT, COMPLEMENTATION GROUP C; ATAXIA-TELANGIECTASIA, COMPLEMENTATION GROUP A. Identifiers: Orphanet 100, MedGen C0004135, MONDO:0008840, OMIM 208900.

Submission:

Labcorp Genetics (formerly Invitae), Labcorp
Classification: Uncertain significance for Ataxia-telangiectasia syndrome. Last evaluated: 2018-01-03. Review status: criteria provided, single submitter. Criteria: Invitae Variant Classification Sherloc (09022015). Collection method: clinical testing. Allele origin: germline.
Comment: This variant is not present in population databases (ExAC no frequency). This sequence change replaces lysine with glutamic acid at codon 2848 of the ATM protein (p.Lys2848Glu). The lysine residue is moderately conserved and there is a small physicochemical difference between lysine and glutamic acid. In summary, the available evidence is currently insufficient to determine the role of this variant in disease. Therefore, it has been classified as a Variant of Uncertain Significance. Algorithms developed to predict the effect of missense changes on protein structure and function do not agree on the potential impact of this missense change (SIFT: "Deleterious"; PolyPhen-2: "Possibly Damaging"; Align-GVGD: "Class C15"). This variant has not been reported in the literature in individuals with ATM-related disease.